The following is an entry in ClinVar:

NC_000016.9:g.(?_89611036)_(90106937_?)dup

Genes: CDK10 (cyclin dependent kinase 10; plus strand), CENPBD1 (CENPB DNA-binding domain containing 1; minus strand), CHMP1A (charged multivesicular body protein 1A; minus strand), CPNE7 (copine 7; plus strand), DBNDD1 (dysbindin domain containing 1; minus strand) and 15 more. Cytogenetic location: 16q24.3.
Variant type: Duplication.
Identifiers: ClinVar variation 2422433 (VCV002422433.3).

ClinVar aggregate classification (germline): Uncertain significance (1 of 4 stars; one submission).

Conditions:
Fanconi anemia (FA). Also called: Fanconi's anemia. Identifiers: Orphanet 84, MedGen C0015625, MeSH D005199, MONDO:0019391.

Submission:

Labcorp Genetics (formerly Invitae), Labcorp
Classification: Uncertain significance for Fanconi anemia. Last evaluated: 2022-06-20. Review status: criteria provided, single submitter. Criteria: Invitae Variant Classification Sherloc (09022015). Collection method: clinical testing. Allele origin: germline.
Comment: A copy number gain of the genomic region encompassing the full coding sequence of the FANCA gene has been identified. The boundaries of this event are unknown as they extend beyond the assayed region for this gene and therefore may encompass additional genes. As the precise location of this event is unknown, it may be in tandem or it may be located elsewhere in the genome. This variant has not been reported in the literature in individuals affected with FANCA-related conditions. Experimental studies and prediction algorithms are not available or were not evaluated, and the functional significance of this variant is currently unknown. In summary, the available evidence is currently insufficient to determine the role of this variant in disease. Therefore, it has been classified as a Variant of Uncertain Significance.